The following is an entry in ClinVar:

ClinVar aggregate classification (germline): Likely benign (0 of 4 stars; one submission).

Conditions:
SLC34A3-related disorder. Also called: SLC34A3-related condition.

Allele frequency attached by ClinVar (database versions not stated): gnomAD exomes 0.00012; ExAC 0.00050; TOPMed 0.00116; gnomAD 0.00118; ESP Exome Variant Server 0.00139; 1000 Genomes Project 0.00319; 1000 Genomes Project 30x 0.00344.
gnomAD v4.1: 355 of 1,608,320 alleles (0.022%); highest among the groups gnomAD compares: African/African-American, 0.41%; 1 homozygote.

Submission:

PreventionGenetics, part of Exact Sciences
Classification: Likely benign for SLC34A3-related condition. Last evaluated: 2023-07-28. Review status: no assertion criteria provided. Collection method: clinical testing. Allele origin: germline.
Comment: This variant is classified as likely benign based on ACMG/AMP sequence variant interpretation guidelines (Richards et al. 2015 PMID: 25741868, with internal and published modifications).

NM_001177316.2(SLC34A3):c.1093+22C>T

Gene: SLC34A3 (solute carrier family 34 member 3; plus strand). Cytogenetic location: 9q34.3.
Variant type: single nucleotide variant.
Coding change: c.1093+22C>T on transcript NM_001177316.2 (MANE Select); 22 bases into the intron after coding-DNA position 1093, C replaced by T.
Molecular consequence: intron variant.
Genome position (GRCh38, 1-based): chr9:137,234,298, C>T. VCF-style: chr9-137234298-C-T. GRCh37 (hg19) VCF-style: chr9-140128750-C-T.
Other names: c.1093+22C>T (NM_001177317.2, NM_080877.3).
Identifiers: ClinVar variation 3039541 (VCV003039541.2), dbSNP rs200430152, ClinGen allele CA5364774.
Genomic context (GRCh38, chr9:137,234,298, plus strand): 5'-GCCGCGTGGCCCAGGTCGTGAGGACAGTCATCAATGCGGGTGAGGGCGTGGGAGGAGGTG[C>T]GGTGGCCAGGGCTGACCCAGCATCCCCCATAGACTTCCCCTTCCCACCAGGCTGACTCGG-3'